The following is an entry in ClinVar:

ClinVar aggregate classification (germline): Pathogenic. Review status: criteria provided, multiple submitters, no conflicts (2 of 4 stars). 3 submissions from 3 submitters: Pathogenic (3). Last evaluated 2024-02-25.

Conditions:
Intellectual developmental disorder, autosomal dominant 57. Also called: MENTAL RETARDATION, AUTOSOMAL DOMINANT 57; Intellectual disability, autosomal dominant 57. Identifiers: MedGen C4748003, MONDO:0054837, OMIM 618050.

Submissions (3):

GeneDx
Classification: Pathogenic. Last evaluated: 2024-02-25. Review status: criteria provided, single submitter. Criteria: GeneDx Variant Classification Process June 2021. Collection method: clinical testing. Allele origin: germline. Affected: yes.
Comment: Nonsense variant predicted to result in protein truncation or nonsense mediated decay in a gene for which loss of function is a known mechanism of disease; Not observed at significant frequency in large population cohorts (gnomAD); This variant is associated with the following publications: (PMID: 34821460, 29861108)

Victorian Clinical Genetics Services, Murdoch Childrens Research Institute
Classification: Pathogenic for Intellectual developmental disorder, autosomal dominant 57. Last evaluated: 2023-07-16. Review status: criteria provided, single submitter. Criteria: ACMG Guidelines, 2015. Collection method: clinical testing. Allele origin: germline. Inheritance: Autosomal dominant inheritance. Affected: yes.
Comment: Based on the classification scheme VCGS_Germline_v1.3.4, this variant is classified as Pathogenic. Following criteria are met: 0102 - Loss of function is a known mechanism of disease in this gene and is associated with intellectual developmental disorder, autosomal dominant 57 (MIM#618050). (I) 0107 - This gene is associated with autosomal dominant disease. (I) 0201 - Variant is predicted to cause nonsense-mediated decay (NMD) and loss of protein (premature termination codon is located at least 54 nucleotides upstream of the final exon-exon junction). (SP) 0251 - This variant is heterozygous. (I) 0301 - Variant is absent from gnomAD (both v2 and v3). (SP) 0701 - Other NMD predicted variants comparable to the one identified in this case have very strong previous evidence for pathogenicity (DECIPHER). (SP) 0802 - This variant has moderate previous evidence of pathogenicity in an unrelated individual. This variant has been observed as de novo in an individual with a neurodevelopmental disorder in the literature (PMID: 29861108). (SP) 0905 - No published segregation evidence has been identified for this variant. (I) 1007 - No published functional evidence has been identified for this variant. (I) 1208 - Inheritance information for this variant is not currently available in this individual. (I) Legend: (SP) - Supporting pathogenic, (I) - Information, (SB) - Supporting benign

SIB Swiss Institute of Bioinformatics
Classification: Pathogenic for Intellectual developmental disorder, autosomal dominant 57. Last evaluated: 2018-10-15. Review status: criteria provided, single submitter. Criteria: ACMG Guidelines, 2015. Collection method: curation. Allele origin: de novo.
Comment: This variant is interpreted as Pathogenic, for Mental retardation, autosomal dominant 57. The following ACMG Tag(s) were applied: PM2 => Absent from controls (or at extremely low frequency if recessive) in Exome Sequencing Project, 1000 Genomes Project, or Exome Aggregation Consortium. PM6 => Assumed de novo, but without confirmation of paternity and maternity (PubMed 29861108). PVS1 => Predicted nullvariant in a gene where LOF is a known mechanism of disease.

Literature cited by the submitters: PubMed 29861108 (cited by Victorian Clinical Genetics Services, Murdoch Childrens Research Institute and SIB Swiss Institute of Bioinformatics).

NM_006852.6(TLK2):c.181C>T (p.Arg61Ter)

Gene: TLK2 (tousled like kinase 2; plus strand). Cytogenetic location: 17q23.2.
Variant type: single nucleotide variant.
Coding change: c.181C>T on transcript NM_006852.6 (MANE Select); coding-DNA position 181, C replaced by T.
Protein change: p.Arg61Ter; replaces arginine 61 with a stop codon.
Molecular consequence: nonsense. On other transcripts: 5 prime UTR variant (2).
Genome position (GRCh38, 1-based): chr17:62,522,231, C>T. VCF-style: chr17-62522231-C-T. GRCh37 (hg19) VCF-style: chr17-60599592-C-T.
Other names: c.181C>T, p.Arg61Ter (NM_001284333.3, NM_001284363.1, NM_001375270.1 and 2 more transcripts); c.-171C>T (NM_001330418.3, NM_001375273.1); c.319C>T, p.Arg107Ter (NM_001375269.1); c.181C>T (NM_006852.3); short protein forms R61*, R107*.
Identifiers: ClinVar variation 617928 (VCV000617928.3), dbSNP rs1567844041, ClinGen allele CA400513565.